The following is an entry in ClinVar:

ClinVar aggregate classification (germline): Uncertain significance. Review status: criteria provided, multiple submitters, no conflicts (2 of 4 stars). 2 submissions from 2 submitters: Uncertain significance (2). Last evaluated 2024-07-01.

Conditions:
Hereditary cancer-predisposing syndrome. Also called: Tumor predisposition; Hereditary neoplastic syndrome; Neoplastic Syndromes, Hereditary; Hereditary Cancer Syndrome. Identifiers: Orphanet 140162, MedGen C0027672, MeSH D009386, MONDO:0015356.
DICER1-related tumor predisposition. Also called: DICER1 syndrome; DICER1-related pleuropulmonary blastoma cancer predisposition syndrome. Identifiers: Orphanet 284343, MedGen C3839822, MONDO:0100216.

Submissions (2):

Ambry Genetics
Classification: Uncertain significance for Hereditary cancer-predisposing syndrome. Last evaluated: 2024-07-01. Review status: criteria provided, single submitter. Criteria: Ambry Variant Classification Scheme 2023. Collection method: clinical testing. Allele origin: germline.
Comment: The p.C63F variant (also known as c.188G>T), located in coding exon 2 of the DICER1 gene, results from a G to T substitution at nucleotide position 188. The cysteine at codon 63 is replaced by phenylalanine, an amino acid with highly dissimilar properties. This amino acid position is highly conserved in available vertebrate species. In addition, this alteration is predicted to be deleterious by in silico analysis. Based on the available evidence, the clinical significance of this variant remains unclear.

Labcorp Genetics (formerly Invitae), Labcorp
Classification: Uncertain significance for DICER1-related tumor predisposition. Last evaluated: 2024-02-17. Review status: criteria provided, single submitter. Criteria: Invitae Variant Classification Sherloc (09022015). Collection method: clinical testing. Allele origin: germline.
Comment: This sequence change replaces cysteine, which is neutral and slightly polar, with phenylalanine, which is neutral and non-polar, at codon 63 of the DICER1 protein (p.Cys63Phe). This variant is not present in population databases (gnomAD no frequency). This variant has not been reported in the literature in individuals affected with DICER1-related conditions. ClinVar contains an entry for this variant (Variation ID: 1505448). Advanced modeling of protein sequence and biophysical properties (such as structural, functional, and spatial information, amino acid conservation, physicochemical variation, residue mobility, and thermodynamic stability) performed at Invitae indicates that this missense variant is not expected to disrupt DICER1 protein function with a negative predictive value of 80%. In summary, the available evidence is currently insufficient to determine the role of this variant in disease. Therefore, it has been classified as a Variant of Uncertain Significance.

NM_177438.3(DICER1):c.188G>T (p.Cys63Phe)

Gene: DICER1 (dicer 1, ribonuclease III; minus strand). Cytogenetic location: 14q32.13.
Variant type: single nucleotide variant.
Coding change: c.188G>T on transcript NM_177438.3 (MANE Select); coding-DNA position 188, G replaced by T.
Protein change: p.Cys63Phe; replaces cysteine 63 with phenylalanine.
Molecular consequence: missense variant.
Genome position (GRCh38, 1-based): chr14:95,132,634, C>A on the plus strand (G>T on the coding strand, the complement: DICER1 is on the minus strand). VCF-style: chr14-95132634-C-A. GRCh37 (hg19) VCF-style: chr14-95598971-C-A.
Other names: c.188G>T, p.Cys63Phe (NM_001195573.1, NM_001271282.3, NM_001291628.2 and 1 more transcripts); short protein forms C63F.
Identifiers: ClinVar variation 1505448 (VCV001505448.10), dbSNP rs1894050914, ClinGen allele CA390890039.